The following is an entry in ClinVar:

NM_006231.4(POLE):c.6504C>G (p.Asp2168Glu)

Gene: POLE (DNA polymerase epsilon, catalytic subunit; minus strand). Cytogenetic location: 12q24.33.
Variant type: single nucleotide variant.
Coding change: c.6504C>G on transcript NM_006231.4 (MANE Select); coding-DNA position 6504, C replaced by G.
Protein change: p.Asp2168Glu; replaces aspartic acid 2168 with glutamic acid.
Molecular consequence: missense variant.
Genome position (GRCh38, 1-based): chr12:132,626,144, G>C on the plus strand (C>G on the coding strand, the complement: POLE is on the minus strand). VCF-style: chr12-132626144-G-C. GRCh37 (hg19) VCF-style: chr12-133202730-G-C.
Other names: c.6504C>G (NM_006231.2); short protein forms D2168E.
Identifiers: ClinVar variation 945742 (VCV000945742.10), dbSNP rs1272944101, ClinGen allele CA387367214.

ClinVar aggregate classification (germline): Uncertain significance. Review status: criteria provided, multiple submitters, no conflicts (2 of 4 stars). 2 submissions from 2 submitters: Uncertain significance (2). Last evaluated 2025-10-18.

Conditions:
Hereditary cancer-predisposing syndrome. Also called: Neoplastic Syndromes, Hereditary; Hereditary Cancer Syndrome; Tumor predisposition; Hereditary neoplastic syndrome. Identifiers: Orphanet 140162, MedGen C0027672, MeSH D009386, MONDO:0015356.

Submissions (2):

Labcorp Genetics (formerly Invitae), Labcorp
Classification: Uncertain significance. Last evaluated: 2025-10-18. Review status: criteria provided, single submitter. Criteria: Invitae Variant Classification Sherloc (09022015). Collection method: clinical testing. Allele origin: germline.
Comment: This sequence change replaces aspartic acid, which is acidic and polar, with glutamic acid, which is acidic and polar, at codon 2168 of the POLE protein (p.Asp2168Glu). This variant is not present in population databases (gnomAD no frequency). This variant has not been reported in the literature in individuals affected with POLE-related conditions. ClinVar contains an entry for this variant (Variation ID: 945742). Invitae Evidence Modeling of protein sequence and biophysical properties (such as structural, functional, and spatial information, amino acid conservation, physicochemical variation, residue mobility, and thermodynamic stability) has been performed for this missense variant. However, the output from this modeling did not meet the statistical confidence thresholds required to predict the impact of this variant on POLE protein function. In summary, the available evidence is currently insufficient to determine the role of this variant in disease. Therefore, it has been classified as a Variant of Uncertain Significance.

Ambry Genetics
Classification: Uncertain significance for Hereditary cancer-predisposing syndrome. Last evaluated: 2023-11-17. Review status: criteria provided, single submitter. Criteria: Ambry Variant Classification Scheme 2023. Collection method: clinical testing. Allele origin: germline.
Comment: The p.D2168E variant (also known as c.6504C>G), located in coding exon 46 of the POLE gene, results from a C to G substitution at nucleotide position 6504. The aspartic acid at codon 2168 is replaced by glutamic acid, an amino acid with highly similar properties. This amino acid position is conserved. In addition, the in silico prediction for this alteration is inconclusive. Since supporting evidence is limited at this time, the clinical significance of this alteration remains unclear.